The following is an entry in ClinVar:

NM_001184900.3(CARD8):c.773-4_773-3insGGAGGCTGTGGGGGCCGCTGGGGTGCGTGCCGTCTCACTGCTGTTGTGGTTCTCCTGGTGGCTGGGGACAGCAGCAGGGCCTAGGAAGGATGCACGCTCTTTCGCCTCTGCATCTTTGGAGTTCGATACTTTTCTGACCTGGACTTTCCTCACCAGCAGAAAGTGTCTTCTGCTATTTCGGACCAGTAGAAATGTAGGTGCATT

Gene: CARD8 (caspase recruitment domain family member 8; minus strand). Cytogenetic location: 19q13.33.
Variant type: Insertion.
Coding change: c.773-4_773-3insGGAGGCTGTGGGGGCCGCTGGGGTGCGTGCCGTCTCACTGCTGTTGTGGTTCTCCTGGTGGCTGGGGACAGCAGCAGGGCCTAGGAAGGATGCACGCTCTTTCGCCTCTGCATCTTTGGAGTTCGATACTTTTCTGACCTGGACTTTCCTCACCAGCAGAAAGTGTCTTCTGCTATTTCGGACCAGTAGAAATGTAGGTGCATT on transcript NM_001184900.3 (MANE Select); 4 bases into the intron before coding-DNA position 773 through 3 bases into the intron before coding-DNA position 773, GGAGGCTGTGGGGGCCGCTGGGGTGCGTGCCGTCTCACTGCTGTTGTGGTTCTCCTGGTGGCTGGGGACAGCAGCAGGGCCTAGGAAGGATGCACGCTCTTTCGCCTCTGCATCTTTGGAGTTCGATACTTTTCTGACCTGGACTTTCCTCACCAGCAGAAAGTGTCTTCTGCTATTTCGGACCAGTAGAAATGTAGGTGCATT inserted.
Molecular consequence: intron variant.
Genome position: GRCh38: chr19:48,230,760-48,230,761. GRCh37 (hg19): chr19:48,734,017-48,734,018.
Other names: c.773-4_773-3insGGAGGCTGTGGGGGCCGCTGGGGTGCGTGCCGTCTCACTGCTGTTGTGGTTCTCCTGGTGGCTGGGGACAGCAGCAGGGCCTAGGAAGGATGCACGCTCTTTCGCCTCTGCATCTTTGGAGTTCGATACTTTTCTGACCTGGACTTTCCTCACCAGCAGAAAGTGTCTTCTGCTATTTCGGACCAGTAGAAATGTAGGTGCATT (NM_001184902.2, NM_001351782.2, NM_001184903.1); c.623-4_623-3insGGAGGCTGTGGGGGCCGCTGGGGTGCGTGCCGTCTCACTGCTGTTGTGGTTCTCCTGGTGGCTGGGGACAGCAGCAGGGCCTAGGAAGGATGCACGCTCTTTCGCCTCTGCATCTTTGGAGTTCGATACTTTTCTGACCTGGACTTTCCTCACCAGCAGAAAGTGTCTTCTGCTATTTCGGACCAGTAGAAATGTAGGTGCATT (NM_001351783.2, NM_001184901.1, NM_014959.5 and 2 more transcripts); c.458-7_458-6insGGAGGCTGTGGGGGCCGCTGGGGTGCGTGCCGTCTCACTGCTGTTGTGGTTCTCCTGGTGGCTGGGGACAGCAGCAGGGCCTAGGAAGGATGCACGCTCTTTCGCCTCTGCATCTTTGGAGTTCGATACTTTTCTGACCTGGACTTTCCTCACCAGCAGAAAGTGTCTTCTGCTATTTCGGACCAGTAGAAATGTAGGTGCATT (NM_001365950.1); c.458-4_458-3insGGAGGCTGTGGGGGCCGCTGGGGTGCGTGCCGTCTCACTGCTGTTGTGGTTCTCCTGGTGGCTGGGGACAGCAGCAGGGCCTAGGAAGGATGCACGCTCTTTCGCCTCTGCATCTTTGGAGTTCGATACTTTTCTGACCTGGACTTTCCTCACCAGCAGAAAGTGTCTTCTGCTATTTCGGACCAGTAGAAATGTAGGTGCATT (NM_001351792.2, NM_001351784.2, NM_001351787.2 and 1 more transcripts); c.530-4_530-3insGGAGGCTGTGGGGGCCGCTGGGGTGCGTGCCGTCTCACTGCTGTTGTGGTTCTCCTGGTGGCTGGGGACAGCAGCAGGGCCTAGGAAGGATGCACGCTCTTTCGCCTCTGCATCTTTGGAGTTCGATACTTTTCTGACCTGGACTTTCCTCACCAGCAGAAAGTGTCTTCTGCTATTTCGGACCAGTAGAAATGTAGGTGCATT (NM_001351790.2); c.437-4_437-3insGGAGGCTGTGGGGGCCGCTGGGGTGCGTGCCGTCTCACTGCTGTTGTGGTTCTCCTGGTGGCTGGGGACAGCAGCAGGGCCTAGGAAGGATGCACGCTCTTTCGCCTCTGCATCTTTGGAGTTCGATACTTTTCTGACCTGGACTTTCCTCACCAGCAGAAAGTGTCTTCTGCTATTTCGGACCAGTAGAAATGTAGGTGCATT (NM_001351786.2).
Identifiers: ClinVar variation 3658953 (VCV003658953.2).

ClinVar aggregate classification (germline): Uncertain significance (1 of 4 stars; one submission).

Submission:

Labcorp Genetics (formerly Invitae), Labcorp
Classification: Uncertain significance. Last evaluated: 2024-07-07. Review status: criteria provided, single submitter. Criteria: Invitae Variant Classification Sherloc (09022015). Collection method: clinical testing. Allele origin: germline.
Comment: This sequence change falls in intron 7 of the CARD8 gene. It does not directly change the encoded amino acid sequence of the CARD8 protein. This variant is not present in population databases (gnomAD no frequency). This variant has not been reported in the literature in individuals affected with CARD8-related conditions. Experimental studies and prediction algorithms are not available or were not evaluated, and the effect of this variant on mRNA splicing is currently unknown. In summary, the available evidence is currently insufficient to determine the role of this variant in disease. Therefore, it has been classified as a Variant of Uncertain Significance.